The following is an entry in ClinVar:

ClinVar aggregate classification (germline): Uncertain significance (1 of 4 stars; one submission).

Submission:

Women's Health and Genetics/Laboratory Corporation of America, LabCorp
Classification: Uncertain significance. Last evaluated: 2025-01-13. Review status: criteria provided, single submitter. Criteria: LabCorp Variant Classification Summary - May 2015. Collection method: clinical testing. Allele origin: germline.
Comment: Variant summary: TBXAS1 c.1581dupT (p.Ile528TyrfsX49) causes a frameshift which results in an extension of the protein. The variant allele was found at a frequency of 1.2e-05 in 251462 control chromosomes. The available data on variant occurrences in the general population are insufficient to allow any conclusion about variant significance. To our knowledge, no occurrence of c.1581dupT in individuals affected with TBXAS1-related conditions and no experimental evidence demonstrating its impact on protein function have been reported. No submitters have cited clinical-significance assessments for this variant to ClinVar. Based on the evidence outlined above, the variant was classified as uncertain significance.

NM_001061.7(TBXAS1):c.1581dup (p.Ile528fs)

Gene: TBXAS1 (thromboxane A synthase 1; plus strand). Cytogenetic location: 7q34.
Variant type: Duplication.
Coding change: c.1581dup on transcript NM_001061.7 (MANE Select); coding-DNA position 1581, one base duplicated (T; older notation c.1581dupT).
Protein change: p.Ile528fs; shifts the reading frame from isoleucine 528.
Molecular consequence: frameshift variant. On other transcripts: 3 prime UTR variant (1).
Genome position (GRCh38, 1-based): chr7:140,020,078, T duplicated. VCF-style (leftmost placement, unchanged base first): chr7-140020077-A-AT. GRCh37 (hg19) VCF-style: chr7-139719877-A-AT.
Other names: c.1581dup, p.Ile528fs (NM_001130966.5); c.1719dup, p.Ile574fs (NM_001166253.4); c.1380dup, p.Ile461fs (NM_001166254.4); c.1524dup, p.Ile509fs (NM_001314028.4); c.1398dup, p.Ile467fs (NM_001366537.3); c.*38dup (NM_030984.6); c.1581dupT (NM_001061.7); short protein forms I461fs, I467fs, I509fs, I528fs, I574fs.
Identifiers: ClinVar variation 3769151 (VCV003769151.2).